The following is an entry in ClinVar:

ClinVar aggregate classification (germline): Uncertain significance (1 of 4 stars; one submission).

Submission:

Labcorp Genetics (formerly Invitae), Labcorp
Classification: Uncertain significance. Last evaluated: 2025-12-08. Review status: criteria provided, single submitter. Criteria: Invitae Variant Classification Sherloc (09022015). Collection method: clinical testing. Allele origin: germline.
Comment: This sequence change creates a premature translational stop signal (p.Thr1058Hisfs*3) in the CACNA2D4 gene. It is expected to result in an absent or disrupted protein product. However, the current clinical and genetic evidence is not sufficient to establish whether loss-of-function variants in CACNA2D4 cause disease. This variant is present in population databases (rs747043935, gnomAD 0.01%). This variant has not been reported in the literature in individuals affected with CACNA2D4-related conditions. Algorithms developed to predict the effect of sequence changes on RNA splicing suggest that this variant may disrupt the consensus splice site. In summary, the available evidence is currently insufficient to determine the role of this variant in disease. Therefore, it has been classified as a Variant of Uncertain Significance.

NM_172364.5(CACNA2D4):c.3171dup (p.Thr1058fs)

Gene: CACNA2D4 (calcium voltage-gated channel auxiliary subunit alpha2delta 4; minus strand). Cytogenetic location: 12p13.33.
Variant type: Duplication.
Coding change: c.3171dup on transcript NM_172364.5 (MANE Select); coding-DNA position 3171, one base duplicated (C; older notation c.3171dupC).
Protein change: p.Thr1058fs; shifts the reading frame from threonine 1058.
Molecular consequence: frameshift variant.
Genome position (GRCh38, 1-based): chr12:1,795,723, G duplicated on the plus strand (C on the coding strand, the reverse complement: CACNA2D4 is on the minus strand); the first of 4 consecutive G bases (chr12:1,795,723-1,795,726); duplicating any one gives the same sequence. VCF-style (leftmost placement, unchanged base first): chr12-1795722-T-TG. GRCh37 (hg19) VCF-style: chr12-1904888-T-TG.
Other names: short protein forms T1058fs.
Identifiers: ClinVar variation 4764063 (VCV004764063.1).